The following is an entry in ClinVar:

ClinVar aggregate classification (germline): Pathogenic (1 of 4 stars; one submission).

Conditions:
Cystic fibrosis (CF). Also called: MUCOVISCIDOSIS. Identifiers: Orphanet 586, MedGen C0010674, MONDO:0009061, OMIM 219700. Disease mechanism: loss of function.

gnomAD v4.1: 1 of 1,602,704 alleles (0.000062%); no homozygotes.

Submission:

Labcorp Genetics (formerly Invitae), Labcorp
Classification: Pathogenic for Cystic fibrosis. Last evaluated: 2022-06-29. Review status: criteria provided, single submitter. Criteria: Invitae Variant Classification Sherloc (09022015). Collection method: clinical testing. Allele origin: germline.
Comment: Algorithms developed to predict the effect of sequence changes on RNA splicing suggest that this variant may disrupt the consensus splice site. This premature translational stop signal has been observed in individual(s) with cystic fibrosis (PMID: 16436643). This variant is not present in population databases (gnomAD no frequency). This sequence change creates a premature translational stop signal (p.Tyr563*) in the CFTR gene. It is expected to result in an absent or disrupted protein product. Loss-of-function variants in CFTR are known to be pathogenic (PMID: 1695717, 7691345, 9725922). For these reasons, this variant has been classified as Pathogenic.

Literature cited by the submitters: PubMed 16436643; PubMed 1695717; PubMed 7691345; PubMed 9725922.

NM_000492.4(CFTR):c.1689C>A (p.Tyr563Ter)

Gene: CFTR (CF transmembrane conductance regulator; plus strand). Cytogenetic location: 7q31.2.
Variant type: single nucleotide variant.
Coding change: c.1689C>A on transcript NM_000492.4 (MANE Select); coding-DNA position 1689, C replaced by A.
Protein change: p.Tyr563Ter; replaces tyrosine 563 with a stop codon.
Molecular consequence: nonsense.
Genome position (GRCh38, 1-based): chr7:117,590,362, C>A. VCF-style: chr7-117590362-C-A. GRCh37 (hg19) VCF-style: chr7-117230416-C-A.
Other names: short protein forms Y563*.
Identifiers: ClinVar variation 2136602 (VCV002136602.4), dbSNP rs1554389015, ClinGen allele CA368977029.
Genomic context (GRCh38, chr7:117,590,362, plus strand): 5'-ATGACCAGGAAATAGAGAGGAAATGTAATTTAATTTCCATTTTCTTTTTAGAGCAGTATA[C>A]AAAGATGCTGATTTGTATTTATTAGACTCTCCTTTTGGATACCTAGATGTTTTAACAGAA-3'